The following is an entry in ClinVar:

NM_015046.7(SETX):c.6289C>T (p.Gln2097Ter)

Gene: SETX (senataxin; minus strand). Cytogenetic location: 9q34.13.
Variant type: single nucleotide variant.
Coding change: c.6289C>T on transcript NM_015046.7 (MANE Select); coding-DNA position 6289, C replaced by T.
Protein change: p.Gln2097Ter; replaces glutamine 2097 with a stop codon.
Molecular consequence: nonsense.
Genome position (GRCh38, 1-based): chr9:132,288,271, G>A on the plus strand (C>T on the coding strand, the complement: SETX is on the minus strand). VCF-style: chr9-132288271-G-A. GRCh37 (hg19) VCF-style: chr9-135163658-G-A.
Other names: c.6289C>T, p.Gln2097Ter (NM_001351527.2, NM_001351528.2); short protein forms Q2097*.
Identifiers: ClinVar variation 805426 (VCV000805426.1), dbSNP rs901109960, ClinGen allele CA375337646.

ClinVar aggregate classification (germline): Likely pathogenic (1 of 4 stars; one submission).

Submission:

Athena Diagnostics
Classification: Likely pathogenic. Last evaluated: 2018-12-28. Review status: criteria provided, single submitter. Criteria: Athena Diagnostics Criteria. Collection method: clinical testing. Allele origin: germline.
Comment: The variant creates a premature nonsense codon, and is therefore predicted to result in the loss of a functional protein. Not found in the total gnomAD dataset, and the data is high quality (0/278082 chr).